The following is an entry in ClinVar:

NM_002497.4(NEK2):c.909G>T (p.Leu303Phe)

Gene: NEK2 (NIMA related kinase 2; minus strand). Cytogenetic location: 1q32.3.
Variant type: single nucleotide variant.
Coding change: c.909G>T on transcript NM_002497.4 (MANE Select); coding-DNA position 909, G replaced by T.
Protein change: p.Leu303Phe; replaces leucine 303 with phenylalanine.
Molecular consequence: missense variant.
Genome position (GRCh38, 1-based): chr1:211,669,189, C>A on the plus strand (G>T on the coding strand, the complement: NEK2 is on the minus strand). VCF-style: chr1-211669189-C-A. GRCh37 (hg19) VCF-style: chr1-211842531-C-A.
Other names: c.909G>T, p.Leu303Phe (NM_001204182.2, NM_001204183.2); short protein forms L303F.
Identifiers: ClinVar variation 3008179 (VCV003008179.3), dbSNP rs1264927337, ClinGen allele CA344778465.

ClinVar aggregate classification (germline): Uncertain significance (1 of 4 stars; one submission).

gnomAD v4.1: 1 of 1,614,000 alleles (0.000062%); no homozygotes.

Submission:

Labcorp Genetics (formerly Invitae), Labcorp
Classification: Uncertain significance. Last evaluated: 2025-04-17. Review status: criteria provided, single submitter. Criteria: Invitae Variant Classification Sherloc (09022015). Collection method: clinical testing. Allele origin: germline.
Comment: This sequence change replaces leucine, which is neutral and non-polar, with phenylalanine, which is neutral and non-polar, at codon 303 of the NEK2 protein (p.Leu303Phe). This variant is not present in population databases (gnomAD no frequency). This variant has not been reported in the literature in individuals affected with NEK2-related conditions. ClinVar contains an entry for this variant (Variation ID: 3008179). An algorithm developed to predict the effect of missense changes on protein structure and function outputs the following: PolyPhen-2: "Benign". The phenylalanine amino acid residue is found in multiple mammalian species, which suggests that this missense change does not adversely affect protein function. In summary, the available evidence is currently insufficient to determine the role of this variant in disease. Therefore, it has been classified as a Variant of Uncertain Significance.